The following is an entry in ClinVar:

ClinVar aggregate classification (germline): Uncertain significance (1 of 4 stars; one submission).

Submission:

Women's Health and Genetics/Laboratory Corporation of America, LabCorp
Classification: Uncertain significance. Last evaluated: 2026-03-27. Review status: criteria provided, single submitter. Criteria: LabCorp Variant Classification Summary - May 2015. Collection method: clinical testing. Allele origin: germline.
Comment: Variant summary: PYGL c.1149A>C (p.Glu383Asp) results in a conservative amino acid change in the encoded protein sequence. Algorithms developed to predict the effect of missense changes on protein structure and function are either unavailable or do not agree on the potential impact of this missense change. The variant was absent in 251418 control chromosomes. The available data on variant occurrences in the general population are insufficient to allow any conclusion about variant significance. c.1149A>C has been observed in individual(s) affected with Glycogen storage disease, type VI (Zhou_2022). These data do not allow any conclusion about variant significance. To our knowledge, no experimental evidence demonstrating an impact on protein function has been reported. The following publication have been ascertained in the context of this evaluation (PMID: 35042526). No submitters have cited clinical-significance assessments for this variant to ClinVar. Based on the evidence outlined above, the variant was classified as uncertain significance.

Literature cited by the submitters: PubMed 35042526.

NM_002863.5(PYGL):c.1149A>C (p.Glu383Asp)

Gene: PYGL (glycogen phosphorylase L; minus strand). Cytogenetic location: 14q22.1.
Variant type: single nucleotide variant.
Coding change: c.1149A>C on transcript NM_002863.5 (MANE Select); coding-DNA position 1149, A replaced by C.
Protein change: p.Glu383Asp; replaces glutamic acid 383 with aspartic acid.
Molecular consequence: missense variant.
Genome position (GRCh38, 1-based): chr14:50,915,915, T>G on the plus strand (A>C on the coding strand, the complement: PYGL is on the minus strand). VCF-style: chr14-50915915-T-G. GRCh37 (hg19) VCF-style: chr14-51382633-T-G.
Other names: c.1047A>C, p.Glu349Asp (NM_001163940.2); short protein forms E349D, E383D.
Identifiers: ClinVar variation 4847644 (VCV004847644.1).